The following is an entry in ClinVar:

ClinVar aggregate classification (germline): Likely benign (1 of 4 stars; one submission).

gnomAD v4.1: 2 of 1,613,702 alleles (0.00012%); highest among the groups gnomAD compares: Non-Finnish European, 0.00017%; no homozygotes.

Submission:

CeGaT Center for Human Genetics Tuebingen
Classification: Likely benign. Last evaluated: 2025-06-01. Review status: criteria provided, single submitter. Criteria: CeGaT Center For Human Genetics Tuebingen Variant Classification Criteria Version 2. Collection method: clinical testing. Allele origin: germline. Affected: yes. Observed: 1 variant allele.
Comment: CSF1R: BP4, BP7

NM_001288705.3(CSF1R):c.1791G>A (p.Val597=)

Gene: CSF1R (colony stimulating factor 1 receptor; minus strand). Cytogenetic location: 5q32.
Variant type: single nucleotide variant.
Coding change: c.1791G>A on transcript NM_001288705.3 (MANE Select); coding-DNA position 1791, G replaced by A.
Protein change: p.Val597=; no amino-acid change (valine 597 retained).
Molecular consequence: synonymous variant. On other transcripts: non-coding transcript variant (2).
Genome position (GRCh38, 1-based): chr5:150,061,558, C>T on the plus strand (G>A on the coding strand, the complement: CSF1R is on the minus strand). VCF-style: chr5-150061558-C-T. GRCh37 (hg19) VCF-style: chr5-149441121-C-T.
Other names: c.1791G>A, p.Val597= (NM_001349736.2, NM_001375320.1, NM_005211.4); c.1347G>A, p.Val449= (NM_001375321.1).
Identifiers: ClinVar variation 4084193 (VCV004084193.8).